The following is an entry in ClinVar:

ClinVar aggregate classification (germline): Likely benign. Review status: criteria provided, multiple submitters, no conflicts (2 of 4 stars). 5 submissions from 5 submitters: Likely benign (4). 1 of the submissions does not count toward it. Last evaluated 2026-03-01.

Conditions:
FAT4-related disorder. Also called: FAT4-related condition.
Inborn genetic diseases. Identifiers: MedGen C0950123, MeSH D030342.

Allele frequency attached by ClinVar (database versions not stated): gnomAD exomes 0.00003; ExAC 0.00004; gnomAD 0.00004; TOPMed 0.00005.
gnomAD v4.1: 48 of 1,613,804 alleles (0.003%); highest among the groups gnomAD compares: East Asian, 0.058%; 1 homozygote.

Submissions (5):

CeGaT Center for Human Genetics Tuebingen
Classification: Likely benign. Last evaluated: 2026-03-01. Review status: criteria provided, single submitter. Criteria: CeGaT Center For Human Genetics Tuebingen Variant Classification Criteria Version 2. Collection method: clinical testing. Allele origin: germline. Affected: yes. Observed: 2 variant alleles.
Comment: FAT4: BP4, BP7

Ambry Genetics
Classification: Likely benign for Inborn genetic diseases. Last evaluated: 2025-03-26. Review status: criteria provided, single submitter. Criteria: Ambry Variant Classification Scheme 2023. Collection method: clinical testing. Allele origin: germline.

Labcorp Genetics (formerly Invitae), Labcorp
Classification: Likely benign. Last evaluated: 2025-03-25. Review status: criteria provided, single submitter. Criteria: Invitae Variant Classification Sherloc (09022015). Collection method: clinical testing. Allele origin: germline.

Blueprint Genetics
Classification: Likely benign. Last evaluated: 2021-11-02. Review status: criteria provided, single submitter. Criteria: ACMG Guidelines, 2015. Collection method: clinical testing. Allele origin: germline.

PreventionGenetics, part of Exact Sciences
Classification: Likely benign for FAT4-related condition. Last evaluated: 2022-05-02. Review status: no assertion criteria provided. Collection method: clinical testing. Allele origin: germline. Not counted in ClinVar's aggregate classification.
Comment: This variant is classified as likely benign based on ACMG/AMP sequence variant interpretation guidelines (Richards et al. 2015 PMID: 25741868, with internal and published modifications).

NM_001291303.3(FAT4):c.7962C>T (p.Tyr2654=)

Gene: FAT4 (FAT atypical cadherin 4; plus strand). Cytogenetic location: 4q28.1.
Variant type: single nucleotide variant.
Coding change: c.7962C>T on transcript NM_001291303.3 (MANE Select); coding-DNA position 7962, C replaced by T.
Protein change: p.Tyr2654=; no amino-acid change (tyrosine 2654 retained).
Molecular consequence: synonymous variant.
Genome position (GRCh38, 1-based): chr4:125,448,972, C>T. VCF-style: chr4-125448972-C-T. GRCh37 (hg19) VCF-style: chr4-126370127-C-T.
Other names: c.7962C>T, p.Tyr2654= (NM_001291285.3); c.7956C>T, p.Tyr2652= (NM_024582.6); c.7956C>T (NM_024582.4).
Identifiers: ClinVar variation 1567941 (VCV001567941.30), dbSNP rs546465658, ClinGen allele CA3073288.